The following is an entry in ClinVar:

NM_001371623.1(TCOF1):c.3491A>G (p.Gln1164Arg)

Gene: TCOF1 (treacle ribosome biogenesis factor 1; plus strand). Cytogenetic location: 5q32.
Variant type: single nucleotide variant.
Coding change: c.3491A>G on transcript NM_001371623.1 (MANE Select); coding-DNA position 3491, A replaced by G.
Protein change: p.Gln1164Arg; replaces glutamine 1164 with arginine.
Molecular consequence: missense variant.
Genome position (GRCh38, 1-based): chr5:150,392,150, A>G. VCF-style: chr5-150392150-A-G. GRCh37 (hg19) VCF-style: chr5-149771713-A-G.
Other names: c.3260A>G, p.Gln1087Arg (NM_000356.4, NM_001135245.2); c.3491A>G, p.Gln1164Arg (NM_001135243.2); c.3377A>G, p.Gln1126Arg (NM_001135244.2, NM_001195141.2); short protein forms Q1087R, Q1126R, Q1164R.
Identifiers: ClinVar variation 1312796 (VCV001312796.2), dbSNP rs2151038920, ClinGen allele CA361737518.

ClinVar aggregate classification (germline): Uncertain significance (1 of 4 stars; one submission).

Submission:

GeneDx
Classification: Uncertain significance. Last evaluated: 2020-06-19. Review status: criteria provided, single submitter. Criteria: GeneDx Variant Classification Process June 2021. Collection method: clinical testing. Allele origin: germline. Affected: yes.
Comment: Not observed in large population cohorts (Lek et al., 2016); In silico analysis supports that this missense variant does not alter protein structure/function; Has not been previously published as pathogenic or benign to our knowledge